The following is an entry in ClinVar:

ClinVar aggregate classification (germline): Uncertain significance. Review status: criteria provided, multiple submitters, no conflicts (2 of 4 stars). 2 submissions from 2 submitters: Uncertain significance (2). Last evaluated 2024-03-04.

Conditions:
Hereditary cancer-predisposing syndrome. Also called: Tumor predisposition; Neoplastic Syndromes, Hereditary; Hereditary Cancer Syndrome; Hereditary neoplastic syndrome. Identifiers: Orphanet 140162, MedGen C0027672, MeSH D009386, MONDO:0015356.
Ataxia-telangiectasia syndrome (AT). Also called: ATAXIA-TELANGIECTASIA, COMPLEMENTATION GROUP A; ATAXIA-TELANGIECTASIA, FRESNO VARIANT; LOUIS-BAR SYNDROME; Ataxia telangiectasia (A-T); Cerebello-oculocutaneous telangiectasia; Immunodeficiency with ataxia telangiectasia. Identifiers: Orphanet 100, MedGen C0004135, MONDO:0008840, OMIM 208900.

Submissions (2):

Labcorp Genetics (formerly Invitae), Labcorp
Classification: Uncertain significance for Ataxia-telangiectasia syndrome. Last evaluated: 2024-03-04. Review status: criteria provided, single submitter. Criteria: Invitae Variant Classification Sherloc (09022015). Collection method: clinical testing. Allele origin: germline.
Comment: This sequence change replaces tyrosine, which is neutral and polar, with cysteine, which is neutral and slightly polar, at codon 1508 of the ATM protein (p.Tyr1508Cys). This variant is not present in population databases (gnomAD no frequency). This variant has not been reported in the literature in individuals affected with ATM-related conditions. ClinVar contains an entry for this variant (Variation ID: 627762). Algorithms developed to predict the effect of missense changes on protein structure and function output the following: SIFT: "Not Available"; PolyPhen-2: "Benign"; Align-GVGD: "Not Available". The cysteine amino acid residue is found in multiple mammalian species, which suggests that this missense change does not adversely affect protein function. In summary, the available evidence is currently insufficient to determine the role of this variant in disease. Therefore, it has been classified as a Variant of Uncertain Significance.

Color Diagnostics, LLC DBA Color Health
Classification: Uncertain significance for Hereditary cancer-predisposing syndrome. Last evaluated: 2023-12-21. Review status: criteria provided, single submitter. Criteria: ACMG Guidelines, 2015. Collection method: clinical testing. Allele origin: germline.
Comment: This missense variant replaces tyrosine with cysteine at codon 1508 of the ATM protein. Computational prediction suggests that this variant may not impact protein structure and function (internally defined REVEL score threshold <= 0.5, PMID: 27666373). To our knowledge, functional studies have not been reported for this variant. This variant has not been reported in individuals affected with hereditary cancer in the literature. This variant has not been identified in the general population by the Genome Aggregation Database (gnomAD). The available evidence is insufficient to determine the role of this variant in disease conclusively. Therefore, this variant is classified as a Variant of Uncertain Significance.

NM_000051.4(ATM):c.4523A>G (p.Tyr1508Cys)

Gene: ATM (ATM serine/threonine kinase; plus strand). Cytogenetic location: 11q22.3.
Variant type: single nucleotide variant.
Coding change: c.4523A>G on transcript NM_000051.4 (MANE Select); coding-DNA position 4523, A replaced by G.
Protein change: p.Tyr1508Cys; replaces tyrosine 1508 with cysteine.
Molecular consequence: missense variant.
Genome position (GRCh38, 1-based): chr11:108,292,705, A>G. VCF-style: chr11-108292705-A-G. GRCh37 (hg19) VCF-style: chr11-108163432-A-G.
Other names: c.4523A>G, p.Tyr1508Cys (NM_001351834.2); short protein forms Y1508C.
Identifiers: ClinVar variation 627762 (VCV000627762.7), dbSNP rs1565461319, ClinGen allele CA382533665.